The following is an entry in ClinVar:

ClinVar aggregate classification (germline): Likely benign (0 of 4 stars; one submission).

Conditions:
CTDP1-related disorder. Also called: CTDP1-related condition.

gnomAD v4.1: 24 of 1,612,930 alleles (0.0015%); highest among the groups gnomAD compares: African/African-American, 0.023%; no homozygotes.

Submission:

PreventionGenetics, part of Exact Sciences
Classification: Likely benign for CTDP1-related condition. Last evaluated: 2024-06-13. Review status: no assertion criteria provided. Collection method: clinical testing. Allele origin: germline.
Comment: This variant is classified as likely benign based on ACMG/AMP sequence variant interpretation guidelines (Richards et al. 2015 PMID: 25741868, with internal and published modifications).

NM_004715.5(CTDP1):c.1137G>A (p.Lys379=)

Gene: CTDP1 (CTD phosphatase subunit 1; plus strand). Cytogenetic location: 18q23.
Variant type: single nucleotide variant.
Coding change: c.1137G>A on transcript NM_004715.5 (MANE Select); coding-DNA position 1137, G replaced by A.
Protein change: p.Lys379=; no amino-acid change (lysine 379 retained).
Molecular consequence: synonymous variant.
Genome position (GRCh38, 1-based): chr18:79,714,597, G>A. VCF-style: chr18-79714597-G-A. GRCh37 (hg19) VCF-style: chr18-77474597-G-A.
Other names: c.780G>A, p.Lys260= (NM_001202504.1); c.1137G>A, p.Lys379= (NM_001318511.2, NM_048368.4).
Identifiers: ClinVar variation 3357123 (VCV003357123.1).